The following is an entry in ClinVar:

ClinVar aggregate classification (germline): Likely pathogenic. Review status: criteria provided, multiple submitters, no conflicts (2 of 4 stars). 3 submissions from 3 submitters: Likely pathogenic (3). Last evaluated 2025-08-22.

Conditions:
Arrhythmogenic right ventricular cardiomyopathy (ARVD). Also called: Arrhythmogenic cardiomyopathy; Cardiomyopathy, ARVC; Arrhythmogenic right ventricular dysplasia; Arrhythmogenic Right Ventricular Cardiomyopathy (ARVC). Identifiers: Orphanet 247, MedGen C0349788, MeSH D019571, MONDO:0016587. Disease mechanism: loss of function. Inheritance: Various modes of inheritance.
Cardiomyopathy (CMYO). Also called: Cardiomyopathies. Identifiers: Orphanet 167848, MedGen C0878544, MONDO:0004994, HP:0001638. Inheritance: Various modes of inheritance.
Arrhythmogenic right ventricular dysplasia 9 (ARVD9). Also called: Arrhythmogenic Right Ventricular Dysplasia/Cardiomyopathy 9; ARRHYTHMOGENIC RIGHT VENTRICULAR DYSPLASIA, FAMILIAL, 9. Identifiers: MedGen C1836906, MONDO:0012180, OMIM 609040.

Submissions (3):

Color Diagnostics, LLC DBA Color Health
Classification: Likely pathogenic for Cardiomyopathy. Last evaluated: 2025-08-22. Review status: criteria provided, single submitter. Criteria: ACMG Guidelines, 2015. Collection method: clinical testing. Allele origin: germline.
Comment: This variant results in the loss of the translation initiator methionine at codon 1 of the PKP2 protein. This variant is expected to disrupt the expression of the full-length PKP2 protein. The next in-frame methionine occurs at codon 110 in the head domain. There is no natural transcript that utilizes Met110 as an alternate translation initiator. If Met110 were utilized in translation initiation, it would disrupt the head domain of the protein (a.a. 1-348), which is thought to be important for PKP2 function (PMID: 11790773), and would truncate the entire length of the protein by more than 10%. This c.2T>C variant has not been reported in individuals affected with PKP2-related disorders in the literature and has not been identified in the general population by the Genome Aggregation Database (gnomAD). However, different DNA changes (c.1A>T and c.1A>G) that alters the Met1 codon have been reported in four individuals affected with arrhythmogenic cardiomyopathy, including three related individuals (PMID: 24704780, 28472724). Three related, affected individuals showed late onset disease, after age 65 (PMID: 24704780). A few unaffected individuals have also been reported (PMID: 24704780). A functional study using cells cultured from individuals who carry PKP2 c.1A>T variant has shown that this variant results in significantly reduced protein expression, comparable to the level observed for a pathogenic truncation in the same gene (PMID: 24704780). Loss of PKP2 function is a known mechanism of disease. Based on the available evidence, this variant is classified as Likely Pathogenic.

All of Us Research Program, National Institutes of Health
Classification: Likely pathogenic for Arrhythmogenic right ventricular cardiomyopathy. Last evaluated: 2024-09-23. Review status: criteria provided, single submitter. Criteria: ACMG Guidelines, 2015. Collection method: clinical testing. Allele origin: germline. Inheritance: Autosomal dominant inheritance. Observed: 2 variant alleles, 2 heterozygotes.
Comment: This variant results in the loss of the translation initiator methionine at codon 1 of the PKP2 protein. This variant is expected to disrupt the expression of the full-length PKP2 protein. The next in-frame methionine occurs at codon 110 in the head domain. There is no natural transcript that utilizes Met110 as an alternate translation initiator. If Met110 were utilized in translation initiation, it would disrupt the head domain of the protein (a.a. 1-348), which is thought to be important for PKP2 function (PMID: 11790773), and would truncate the entire length of the protein by more than 10%. This c.2T>C variant has not been reported in individuals affected with PKP2-related disorders in the literature and has not been identified in the general population by the Genome Aggregation Database (gnomAD). However, different DNA changes (c.1A>T and c.1A>G) that alters the Met1 codon have been reported in four individuals affected with arrhythmogenic cardiomyopathy, including three related individuals (PMID: 24704780, 28472724). Three related, affected individuals showed late onset disease, after age 65 (PMID: 24704780). A few unaffected individuals have also ben reported (PMID: 24704780). A functional study using cells cultured from individuals who carry PKP2 c.1A>T variant has shown that this variant results in significantly reduced protein expression, comparable to the level observed for a pathogenic truncation in the same gene (PMID: 24704780). Loss of PKP2 function is a known mechanism of disease. Based on the available evidence, this variant is classified as Likely Pathogenic.

This study involves interpretation of variants in research participants for the purpose of population health screening. Participant phenotype was not available at the time of variant classification. Additional details can be found in publication PMID: 35346344, PMCID: PMC8962531

Labcorp Genetics (formerly Invitae), Labcorp
Classification: Likely pathogenic for Arrhythmogenic right ventricular dysplasia 9. Last evaluated: 2024-05-21. Review status: criteria provided, single submitter. Criteria: Invitae Variant Classification Sherloc (09022015). Collection method: clinical testing. Allele origin: germline.
Comment: This sequence change affects the initiator methionine of the PKP2 mRNA. The next in-frame methionine is located at codon 110. This variant is not present in population databases (gnomAD no frequency). Disruption of the initiator codon has been observed in individual(s) with clinical features of arrhythmogenic cardiomyopathy (PMID: 24704780). ClinVar contains an entry for this variant (Variation ID: 920308). Experimental studies and prediction algorithms are not available or were not evaluated, and the functional significance of this variant is currently unknown. Studies have shown that disruption of the initiator codon alters PKP2 gene expression (PMID: 24704780). This variant disrupts a region of the PKP2 protein in which other variant(s) (p.Ala65Ser) have been observed in individuals with PKP2-related conditions (PMID: 20400443). This suggests that this is a clinically significant region of the protein, and that variants that disrupt it are likely to be disease-causing. In summary, the currently available evidence indicates that the variant is pathogenic, but additional data are needed to prove that conclusively. Therefore, this variant has been classified as Likely Pathogenic.

Literature cited by the submitters: PubMed 11790773 (cited by Color Diagnostics, LLC DBA Color Health and All of Us Research Program, National Institutes of Health); PubMed 24704780 (cited by 3 submitters); PubMed 28472724 (cited by Color Diagnostics, LLC DBA Color Health and All of Us Research Program, National Institutes of Health); PubMed 20400443 (cited by Labcorp Genetics (formerly Invitae), Labcorp).

NM_001005242.3(PKP2):c.2T>C (p.Met1Thr)

Gene: PKP2 (plakophilin 2; minus strand). Cytogenetic location: 12p11.21.
Variant type: single nucleotide variant.
Coding change: c.2T>C on transcript NM_001005242.3 (MANE Select); coding-DNA position 2, T replaced by C.
Protein change: p.Met1Thr; changes the start codon (methionine 1).
Molecular consequence: missense variant, initiator codon variant.
Genome position (GRCh38, 1-based): chr12:32,896,730, A>G on the plus strand (T>C on the coding strand, the complement: PKP2 is on the minus strand). VCF-style: chr12-32896730-A-G. GRCh37 (hg19) VCF-style: chr12-33049664-A-G.
Other names: c.2T>C, p.Met1Thr (NM_004572.4); short protein forms M1T.
Identifiers: ClinVar variation 920308 (VCV000920308.13), dbSNP rs1957129506, ClinGen allele CA384371851.
Genomic context (GRCh38, chr12:32,896,730, plus strand): 5'-ATCTGCTGGCCCAGGACGGTCCGGATGTAGCCGTACTCAGCTGGGGCGCCGGGGGCTGCC[A>G]TGGGGCCGGTGGGGGCGACCGAGCTGCTCGCCTGCCTCTGGACTCGCGGGCGAAGCCGCC-3'
Protein context (NP_001005242.2, residues 1-11): [Met1Thr]AAPGAPAEYG